The following is an entry in ClinVar:

NM_003859.3(DPM1):c.1A>C (p.Met1Leu)

Genes: DPM1 (dolichyl-phosphate mannosyltransferase subunit 1, catalytic; minus strand), LOC130066166 (ATAC-STARR-seq lymphoblastoid active region 18108; plus strand). Cytogenetic location: 20q13.13.
Variant type: single nucleotide variant.
Coding change: c.1A>C on transcript NM_003859.3 (MANE Select); coding-DNA position 1, A replaced by C.
Protein change: p.Met1Leu; changes the start codon (methionine 1).
Molecular consequence: missense variant, initiator codon variant. On other transcripts: non-coding transcript variant (1).
Genome position (GRCh38, 1-based): chr20:50,958,523, T>G on the plus strand (A>C on the coding strand, the complement: DPM1 is on the minus strand). VCF-style: chr20-50958523-T-G. GRCh37 (hg19) VCF-style: chr20-49575060-T-G.
Other names: c.1A>C, p.Met1Leu (NM_001317034.1, NM_001317035.1, NM_001317036.1); c.1A>C (NM_003859.2); short protein forms M1L.
Identifiers: ClinVar variation 663599 (VCV000663599.15), dbSNP rs139624629, ClinGen allele CA9909287.

ClinVar aggregate classification (germline): Pathogenic/Likely pathogenic. Review status: criteria provided, multiple submitters, no conflicts (2 of 4 stars). 5 submissions from 5 submitters: Pathogenic (4); Likely pathogenic (1). Last evaluated 2026-01-05.

Conditions:
DPM1-related disorder. Also called: DPM1-related condition.
Congenital disorder of glycosylation type 1E (CDG1E). Also called: CDG Ie; CONGENITAL DISORDER OF GLYCOSYLATION, TYPE Ie. Identifiers: Orphanet 79322, MedGen C1837396, MONDO:0012123, OMIM 608799.

Allele frequency attached by ClinVar (database versions not stated): gnomAD 0.00003; TOPMed 0.00004; 1000 Genomes Project 30x 0.00016; 1000 Genomes Project 0.00020.

Submissions (5):

PreventionGenetics, part of Exact Sciences
Classification: Pathogenic for DPM1-related condition. Last evaluated: 2026-01-05. Review status: criteria provided, single submitter. Criteria: ACMG Guidelines, 2015. Collection method: clinical testing. Allele origin: germline.
Comment: The DPM1 c.1A>C variant is predicted to disrupt the translation initiation site (Start loss). This variant has been reported in the compound heterozygous state in multiple individuals with congenital disorder of glycosylation, type 1e (Bursle et al. 2017. PubMed ID: 27481510; Abu Bakar et al. 2022. PubMed ID: 35279850; Lausmann et al. 2022. PubMed ID: 35910228). An alternate start loss variant has also been reported in an affected individual in the literature (Zhai et al. 2021. PubMed ID: 34015165). This variant is reported in 0.0070% of alleles in individuals of European (non-Finnish) descent in gnomAD. This variant is interpreted as pathogenic.

Labcorp Genetics (formerly Invitae), Labcorp
Classification: Pathogenic for Congenital disorder of glycosylation type 1E. Last evaluated: 2025-10-27. Review status: criteria provided, single submitter. Criteria: Invitae Variant Classification Sherloc (09022015). Collection method: clinical testing. Allele origin: germline.
Comment: This sequence change affects the initiator codon of the DPM1 mRNA. This change may impact translation initiation or efficiency. The next in-frame methionine is located at codon 106. This variant is present in population databases (rs139624629, gnomAD 0.007%). Disruption of the initiator codon has been observed in individual(s) with DPM1-related conditions (PMID: 27481510, 34015165). ClinVar contains an entry for this variant (Variation ID: 663599). This variant disrupts a region of the DPM1 protein in which other variant(s) (p.Arg92Gly) have been determined to be pathogenic (PMID: 10642597, 10642602, 27481510). This suggests that this is a clinically significant region of the protein, and that variants that disrupt it are likely to be disease-causing. For these reasons, this variant has been classified as Pathogenic.

GeneDx
Classification: Pathogenic. Last evaluated: 2025-02-18. Review status: criteria provided, single submitter. Criteria: GeneDx Variant Classification Process June 2021. Collection method: clinical testing. Allele origin: germline.
Comment: Initiation codon variant in a gene for which loss of function is a known mechanism of disease; Not observed at significant frequency in large population cohorts (gnomAD); This variant is associated with the following publications: (PMID: 35910228, 35279850, 27481510)

Illumina Laboratory Services, Illumina
Classification: Likely pathogenic for Congenital disorder of glycosylation type 1E. Last evaluated: 2024-09-05. Review status: criteria provided, single submitter. Criteria: ICSLVariantClassificationCriteria RUGD 01 April 2020. Collection method: clinical testing. Allele origin: unknown.

Mendelics
Classification: Pathogenic for Congenital disorder of glycosylation type 1E. Last evaluated: 2022-05-04. Review status: criteria provided, single submitter. Criteria: Mendelics Assertion Criteria 2019. Collection method: clinical testing. Allele origin: germline.

Literature cited by the submitters: PubMed 27481510 (cited by Labcorp Genetics (formerly Invitae), Labcorp); PubMed 34015165 (cited by Labcorp Genetics (formerly Invitae), Labcorp); PubMed 10642597 (cited by Labcorp Genetics (formerly Invitae), Labcorp); PubMed 10642602 (cited by Labcorp Genetics (formerly Invitae), Labcorp).